The following is an entry in ClinVar:

NM_017802.4(DNAAF5):c.1997C>T (p.Ala666Val)

Gene: DNAAF5 (dynein axonemal assembly factor 5; plus strand). Cytogenetic location: 7p22.3.
Variant type: single nucleotide variant.
Coding change: c.1997C>T on transcript NM_017802.4 (MANE Select); coding-DNA position 1997, C replaced by T.
Protein change: p.Ala666Val; replaces alanine 666 with valine.
Molecular consequence: missense variant. On other transcripts: non-coding transcript variant (1).
Genome position (GRCh38, 1-based): chr7:774,113, C>T. VCF-style: chr7-774113-C-T. GRCh37 (hg19) VCF-style: chr7-813750-C-T.
Other names: short protein forms A666V.
Identifiers: ClinVar variation 454857 (VCV000454857.10), dbSNP rs761189541, ClinGen allele CA4111036.

ClinVar aggregate classification (germline): Uncertain significance. Review status: criteria provided, multiple submitters, no conflicts (2 of 4 stars). 2 submissions from 2 submitters: Uncertain significance (2). Last evaluated 2022-02-16.

Conditions:
Primary ciliary dyskinesia 18. Also called: CILIARY DYSKINESIA, PRIMARY, 18, WITH OR WITHOUT SITUS INVERSUS. Identifiers: Orphanet 244, MedGen C3543825, MONDO:0013940, OMIM 614874.
Primary ciliary dyskinesia. Also called: Ciliary dyskinesia. Identifiers: Orphanet 244, MedGen C0008780, MONDO:0016575, HP:0012265.

Allele frequency attached by ClinVar (database versions not stated): ExAC 0.00001; gnomAD exomes 0.00001; TOPMed 0.00001.
gnomAD v4.1: 5 of 1,613,450 alleles (0.00031%); highest among the groups gnomAD compares: Admixed American, 0.005%; no homozygotes.

Submissions (2):

Fulgent Genetics
Classification: Uncertain significance for Primary ciliary dyskinesia 18. Last evaluated: 2022-02-16. Review status: criteria provided, single submitter. Criteria: ACMG Guidelines, 2015. Collection method: clinical testing. Allele origin: unknown.

Labcorp Genetics (formerly Invitae), Labcorp
Classification: Uncertain significance for Primary ciliary dyskinesia. Last evaluated: 2017-02-01. Review status: criteria provided, single submitter. Criteria: Invitae Variant Classification Sherloc (09022015). Collection method: clinical testing. Allele origin: germline.
Comment: This sequence change replaces alanine with valine at codon 666 of the DNAAF5 protein (p.Ala666Val). The alanine residue is highly conserved and there is a small physicochemical difference between alanine and valine. This variant is present in population databases (rs761189541, ExAC 0.009%) but has not been reported in the literature in individuals with a DNAAF5-related disease. Algorithms developed to predict the effect of missense changes on protein structure and function (SIFT, PolyPhen-2, Align-GVGD) all suggest that this variant is likely to be disruptive, but these predictions have not been confirmed by published functional studies. In summary, this variant is a rare missense change with uncertain impact on protein function. There is no indication that it causes disease, but the available evidence is currently insufficient to prove that conclusively. Therefore, it has been classified as a Variant of Uncertain Significance.